The following is an entry in ClinVar:

NM_005732.4(RAD50):c.3230G>T (p.Arg1077Leu)

Gene: RAD50 (RAD50 double strand break repair protein; plus strand). Cytogenetic location: 5q31.1.
Variant type: single nucleotide variant.
Coding change: c.3230G>T on transcript NM_005732.4 (MANE Select); coding-DNA position 3230, G replaced by T.
Protein change: p.Arg1077Leu; replaces arginine 1077 with leucine.
Molecular consequence: missense variant.
Genome position (GRCh38, 1-based): chr5:132,618,135, G>T. VCF-style: chr5-132618135-G-T. GRCh37 (hg19) VCF-style: chr5-131953827-G-T.
Other names: short protein forms R1077L.
Identifiers: ClinVar variation 657891 (VCV000657891.11), dbSNP rs104895051, ClinGen allele CA360964417.

ClinVar aggregate classification (germline): Uncertain significance (1 of 4 stars; one submission).

Conditions:
Hereditary cancer-predisposing syndrome. Also called: Hereditary neoplastic syndrome; Neoplastic Syndromes, Hereditary; Hereditary Cancer Syndrome; Tumor predisposition. Identifiers: Orphanet 140162, MedGen C0027672, MeSH D009386, MONDO:0015356.

Submission:

Labcorp Genetics (formerly Invitae), Labcorp
Classification: Uncertain significance for Hereditary cancer-predisposing syndrome. Last evaluated: 2019-06-19. Review status: criteria provided, single submitter. Criteria: Invitae Variant Classification Sherloc (09022015). Collection method: clinical testing. Allele origin: germline.
Comment: This sequence change replaces arginine with leucine at codon 1077 of the RAD50 protein (p.Arg1077Leu). The arginine residue is moderately conserved and there is a moderate physicochemical difference between arginine and leucine. This variant is not present in population databases (ExAC no frequency). This variant has not been reported in the literature in individuals with RAD50-related disease. Algorithms developed to predict the effect of missense changes on protein structure and function are either unavailable or do not agree on the potential impact of this missense change (SIFT: "Deleterious"; PolyPhen-2: "Possibly Damaging"; Align-GVGD: "Class C0"). In summary, the available evidence is currently insufficient to determine the role of this variant in disease. Therefore, it has been classified as a Variant of Uncertain Significance.